The following is an entry in ClinVar:

ClinVar aggregate classification (germline): Likely benign (1 of 4 stars; one submission).

gnomAD v4.1: 2 of 1,613,374 alleles (0.00012%); highest among the groups gnomAD compares: African/African-American, 0.0013%; no homozygotes.

Submission:

GeneDx
Classification: Likely benign. Last evaluated: 2017-04-03. Review status: criteria provided, single submitter. Criteria: GeneDx Variant Classification (06012015). Collection method: clinical testing. Allele origin: germline. Affected: yes.
Comment: This variant is considered likely benign or benign based on one or more of the following criteria: it is a conservative change, it occurs at a poorly conserved position in the protein, it is predicted to be benign by multiple in silico algorithms, and/or has population frequency not consistent with disease.

NM_001130438.3(SPTAN1):c.3155+17G>T

Gene: SPTAN1 (spectrin alpha, non-erythrocytic 1; plus strand). Cytogenetic location: 9q34.11.
Variant type: single nucleotide variant.
Coding change: c.3155+17G>T on transcript NM_001130438.3 (MANE Select); 17 bases into the intron after coding-DNA position 3155, G replaced by T.
Molecular consequence: intron variant.
Genome position (GRCh38, 1-based): chr9:128,591,642, G>T. VCF-style: chr9-128591642-G-T. GRCh37 (hg19) VCF-style: chr9-131353921-G-T.
Other names: c.3155+17G>T (NM_001363759.2, NM_003127.4, NM_001363765.2 and 1 more transcripts).
Identifiers: ClinVar variation 517844 (VCV000517844.1), dbSNP rs765814431, ClinGen allele CA590941807.
Genomic context (GRCh38, chr9:128,591,642, plus strand): 5'-GAGCAAGGCAGCATAGCACTGCGGCAGGAGCAGATTGACAATCAGTAAGGATGACACTGG[G>T]GGCCGCAAGGGCTAGGCGTCCCATAGGCATACTCTGTTCCACATGGGCCGAAGCTTAGGC-3'